The following is an entry in ClinVar:

ClinVar aggregate classification (germline): Uncertain significance. Review status: criteria provided, multiple submitters, no conflicts (2 of 4 stars). 2 submissions from 2 submitters: Uncertain significance (2). Last evaluated 2025-01-05.

Conditions:
Hereditary cancer-predisposing syndrome. Also called: Neoplastic Syndromes, Hereditary; Tumor predisposition; Hereditary Cancer Syndrome; Hereditary neoplastic syndrome. Identifiers: Orphanet 140162, MedGen C0027672, MeSH D009386, MONDO:0015356.

Submissions (2):

Labcorp Genetics (formerly Invitae), Labcorp
Classification: Uncertain significance. Last evaluated: 2025-01-05. Review status: criteria provided, single submitter. Criteria: Invitae Variant Classification Sherloc (09022015). Collection method: clinical testing. Allele origin: germline.
Comment: This sequence change replaces proline, which is neutral and non-polar, with serine, which is neutral and polar, at codon 585 of the CTNNA1 protein (p.Pro585Ser). This variant is not present in population databases (gnomAD no frequency). This variant has not been reported in the literature in individuals affected with CTNNA1-related conditions. ClinVar contains an entry for this variant (Variation ID: 998606). Invitae Evidence Modeling of protein sequence and biophysical properties (such as structural, functional, and spatial information, amino acid conservation, physicochemical variation, residue mobility, and thermodynamic stability) indicates that this missense variant is not expected to disrupt CTNNA1 protein function with a negative predictive value of 80%. In summary, the available evidence is currently insufficient to determine the role of this variant in disease. Therefore, it has been classified as a Variant of Uncertain Significance.

Ambry Genetics
Classification: Uncertain significance for Hereditary cancer-predisposing syndrome. Last evaluated: 2023-09-23. Review status: criteria provided, single submitter. Criteria: Ambry Variant Classification Scheme 2023. Collection method: clinical testing. Allele origin: germline.
Comment: The p.P585S variant (also known as c.1753C>T), located in coding exon 12 of the CTNNA1 gene, results from a C to T substitution at nucleotide position 1753. The proline at codon 585 is replaced by serine, an amino acid with similar properties. This amino acid position is conserved. In addition, the in silico prediction for this alteration is inconclusive. Since supporting evidence is limited at this time, the clinical significance of this alteration remains unclear.

NM_001903.5(CTNNA1):c.1753C>T (p.Pro585Ser)

Gene: CTNNA1 (catenin alpha 1; plus strand). Cytogenetic location: 5q31.2.
Variant type: single nucleotide variant.
Coding change: c.1753C>T on transcript NM_001903.5 (MANE Select); coding-DNA position 1753, C replaced by T.
Protein change: p.Pro585Ser; replaces proline 585 with serine.
Molecular consequence: missense variant.
Genome position (GRCh38, 1-based): chr5:138,925,261, C>T. VCF-style: chr5-138925261-C-T. GRCh37 (hg19) VCF-style: chr5-138260950-C-T.
Other names: c.1753C>T, p.Pro585Ser (NM_001290307.3, NM_001323982.2, NM_001323983.1 and 2 more transcripts); c.1444C>T, p.Pro482Ser (NM_001290309.3); c.1384C>T, p.Pro462Ser (NM_001290310.3); c.643C>T, p.Pro215Ser (NM_001290312.1, NM_001323987.1, NM_001323988.1 and 17 more transcripts); c.1660C>T, p.Pro554Ser (NM_001323986.2); c.304C>T, p.Pro102Ser (NM_001324006.1, NM_001324007.1, NM_001324008.1 and 2 more transcripts); c.550C>T, p.Pro184Ser (NM_001324011.1); c.400C>T, p.Pro134Ser (NM_001324012.1, NM_001324013.1); and 1 more; short protein forms P102S, P134S, P184S, P215S, P462S, P482S, P554S, P585S.
Identifiers: ClinVar variation 998606 (VCV000998606.9), dbSNP rs1383896601, ClinGen allele CA361132133.